The following is an entry in ClinVar:

ClinVar aggregate classification (germline): Likely benign. Review status: criteria provided, multiple submitters, no conflicts (2 of 4 stars). 2 submissions from 2 submitters: Likely benign (2). Last evaluated 2024-10-16.

Allele frequency attached by ClinVar (database versions not stated): ExAC 0.00002; gnomAD exomes 0.00002; gnomAD 0.00004; TOPMed 0.00006.
gnomAD v4.1: 31 of 1,614,066 alleles (0.0019%); highest among the groups gnomAD compares: Middle Eastern, 0.12%; no homozygotes.

Submissions (2):

Blueprint Genetics
Classification: Likely benign. Last evaluated: 2024-10-16. Review status: criteria provided, single submitter. Criteria: ACMG Guidelines, 2015. Collection method: clinical testing. Allele origin: germline.

CeGaT Center for Human Genetics Tuebingen
Classification: Likely benign. Last evaluated: 2022-04-01. Review status: criteria provided, single submitter. Criteria: CeGaT Center For Human Genetics Tuebingen Variant Classification Criteria Version 2. Collection method: clinical testing. Allele origin: germline. Affected: yes. Observed: 1 variant allele.
Comment: MED13: BP4, BP7

NM_005121.3(MED13):c.1467C>T (p.Asp489=)

Gene: MED13 (mediator complex subunit 13; minus strand). Cytogenetic location: 17q23.2.
Variant type: single nucleotide variant.
Coding change: c.1467C>T on transcript NM_005121.3 (MANE Select); coding-DNA position 1467, C replaced by T.
Protein change: p.Asp489=; no amino-acid change (aspartic acid 489 retained).
Molecular consequence: synonymous variant.
Genome position (GRCh38, 1-based): chr17:62,011,050, G>A on the plus strand (C>T on the coding strand, the complement: MED13 is on the minus strand). VCF-style: chr17-62011050-G-A. GRCh37 (hg19) VCF-style: chr17-60088411-G-A.
Identifiers: ClinVar variation 2648016 (VCV002648016.25), dbSNP rs762008104, ClinGen allele CA8693041.
Genomic context (GRCh38, chr17:62,011,050, plus strand): 5'-TGAAAATCTCACTTGACTGTCTGGAGCAGAGATCACAAGTCTTTGGCTGGCTGAATCTGC[G>A]TCCATGCCAACATCATCACTAACAGACACACGATGGTGAAAAGGAGTCAAGGGGCGTTTC-3'
Protein context (NP_005112.2, residues 479-499): RVSVSDDVGM[Asp489=]ADSASQRLVI